The following is an entry in ClinVar:

NM_001033855.3(DCLRE1C):c.678+5G>T

Gene: DCLRE1C (DNA cross-link repair 1C; minus strand). Cytogenetic location: 10p13.
Variant type: single nucleotide variant.
Coding change: c.678+5G>T on transcript NM_001033855.3 (MANE Select); 5 bases into the intron after coding-DNA position 678, G replaced by T.
Molecular consequence: intron variant.
Genome position (GRCh38, 1-based): chr10:14,934,375, C>A on the plus strand (G>T on the coding strand, the complement: DCLRE1C is on the minus strand). VCF-style: chr10-14934375-C-A. GRCh37 (hg19) VCF-style: chr10-14976374-C-A.
Other names: c.333+5G>T (NM_001350966.2, NM_001289078.2, NM_001289076.2 and 1 more transcripts); c.678+5G>T (NM_001350965.2); c.318+5G>T (NM_001350967.2, NM_001289077.2, NM_001289079.2 and 2 more transcripts).
Identifiers: ClinVar variation 649046 (VCV000649046.4), dbSNP rs750695358, ClinGen allele CA5416756.
Genomic context (GRCh38, chr10:14,934,375, plus strand): 5'-AAGACTCCCTCTCAAAAAAAAAAAAAAAAGAAAAAAGAAAAGAAAAGAATGAACAGTCAC[C>A]ATACCTGGACTCCTAATTCTTCACTAAGGTTGGTGAACAGATATTCATAGCCATAAGCCG-3'

ClinVar aggregate classification (germline): Uncertain significance. Review status: criteria provided, single submitter (1 of 4 stars). 2 submissions from 2 submitters: Uncertain significance (1). 1 of the submissions does not count toward it. Last evaluated 2018-08-14.

Conditions:
Histiocytic medullary reticulosis. Also called: SEVERE COMBINED IMMUNODEFICIENCY WITH HYPEREOSINOPHILIA; Omenn syndrome. Identifiers: Orphanet 39041, MedGen C2700553, MONDO:0011338, OMIM 603554.
Severe combined immunodeficiency due to DCLRE1C deficiency (RS-SCID). Also called: SCID, AUTOSOMAL RECESSIVE, T CELL-NEGATIVE, B CELL-NEGATIVE, NK CELL-POSITIVE, WITH SENSITIVITY TO IONIZING RADIATION. Identifiers: Orphanet 275, MedGen C1865371, MONDO:0011225, OMIM 602450.

Allele frequency attached by ClinVar (database versions not stated): TOPMed 0.00004; gnomAD 0.00006.
gnomAD v4.1: 176 of 1,613,392 alleles (0.011%); highest among the groups gnomAD compares: Non-Finnish European, 0.015%; no homozygotes.

Submissions (2):

Labcorp Genetics (formerly Invitae), Labcorp
Classification: Uncertain significance for Athabaskan severe combined immunodeficiency. Last evaluated: 2018-08-14. Review status: criteria provided, single submitter. Criteria: Invitae Variant Classification Sherloc (09022015). Collection method: clinical testing. Allele origin: germline.
Comment: This sequence change falls in intron 8 of the DCLRE1C gene. It does not directly change the encoded amino acid sequence of the DCLRE1C protein, but it affects a nucleotide within the consensus splice site of the intron. This variant is present in population databases (rs750695358, ExAC 0.01%). This variant has not been reported in the literature in individuals with DCLRE1C-related disease. Nucleotide substitutions within the consensus splice site are a relatively common cause of aberrant splicing (PMID: 17576681, 9536098). Algorithms developed to predict the effect of sequence changes on RNA splicing suggest that this variant may disrupt the consensus splice site, but this prediction has not been confirmed by published transcriptional studies. In summary, the available evidence is currently insufficient to determine the role of this variant in disease. Therefore, it has been classified as a Variant of Uncertain Significance.

Natera, Inc.
Classification: Uncertain significance for Omenn syndrome. Last evaluated: 2020-09-16. Review status: no assertion criteria provided. Collection method: clinical testing. Allele origin: germline. Not counted in ClinVar's aggregate classification.

Literature cited by the submitters: PubMed 17576681 (cited by Labcorp Genetics (formerly Invitae), Labcorp); PubMed 9536098 (cited by Labcorp Genetics (formerly Invitae), Labcorp).